The following is an entry in ClinVar:

NM_001164508.2(NEB):c.20577+2T>C

Gene: NEB (nebulin; minus strand). Cytogenetic location: 2q23.3.
Variant type: single nucleotide variant.
Coding change: c.20577+2T>C on transcript NM_001164508.2 (MANE Select); the canonical splice donor site of the intron after coding-DNA position 20577, T replaced by C.
Molecular consequence: splice donor variant.
Genome position (GRCh38, 1-based): chr2:151,545,886, A>G on the plus strand (T>C on the coding strand, the complement: NEB is on the minus strand). VCF-style: chr2-151545886-A-G. GRCh37 (hg19) VCF-style: chr2-152402400-A-G.
Other names: c.15474+2T>C (NM_004543.5); c.20577+2T>C (NM_001164507.2, NM_001271208.2).
Identifiers: ClinVar variation 554275 (VCV000554275.10), dbSNP rs1185654671, ClinGen allele CA348779814.

ClinVar aggregate classification (germline): Likely pathogenic. Review status: criteria provided, multiple submitters, no conflicts (2 of 4 stars). 3 submissions from 3 submitters: Likely pathogenic (2). 1 of the submissions does not count toward it. Last evaluated 2023-05-30.

Conditions:
Nemaline myopathy. Also called: Myopathies, Nemaline. Identifiers: Orphanet 607, MedGen C0206157, MONDO:0018958.
Nemaline myopathy 2 (NEM2). Also called: Nemaline myopathy 2, autosomal recessive. Identifiers: MedGen C1850569, MONDO:0009725, OMIM 256030.

Allele frequency attached by ClinVar (database versions not stated): TOPMed below 0.00001; gnomAD 0.00001; gnomAD exomes 0.00001.
gnomAD v4.1: 13 of 1,569,210 alleles (0.00083%); highest among the groups gnomAD compares: Non-Finnish European, 0.001%; no homozygotes.

Submissions (3):

Women's Health and Genetics/Laboratory Corporation of America, LabCorp
Classification: Likely pathogenic for Nemaline myopathy. Last evaluated: 2023-05-30. Review status: criteria provided, single submitter. Criteria: LabCorp Variant Classification Summary - May 2015. Collection method: clinical testing. Allele origin: germline.
Comment: Variant summary: NEB c.20577+2T>C is located in a canonical splice-site and is predicted to affect mRNA splicing resulting in a significantly altered protein due to either exon skipping, shortening, or inclusion of intronic material. Several computational tools predict a significant impact on normal splicing: One predicts the variant has no significant impact on splicing, and three predict it abolishes a canonical 5' splicing donor site. However, these predictions have yet to be confirmed by functional studies. The variant was absent in 239380 control chromosomes (gnomAD). To our knowledge, no occurrence of c.20577+2T>C in individuals affected with Nemaline Myopathy 2 and no experimental evidence demonstrating its impact on protein function have been reported. Two clinical diagnostic laboratories have submitted clinical-significance assessments for this variant to ClinVar after 2014, and classified it as likely pathogenic. Based on the evidence outlined above, the variant was classified as likely pathogenic.

Labcorp Genetics (formerly Invitae), Labcorp
Classification: Likely pathogenic for Nemaline myopathy 2. Last evaluated: 2021-03-24. Review status: criteria provided, single submitter. Criteria: Invitae Variant Classification Sherloc (09022015). Collection method: clinical testing. Allele origin: germline.
Comment: Donor and acceptor splice site variants typically lead to a loss of protein function (PMID: 16199547), and loss-of-function variants in NEB are known to be pathogenic (PMID: 25205138). In summary, the currently available evidence indicates that the variant is pathogenic, but additional data are needed to prove that conclusively. Therefore, this variant has been classified as Likely Pathogenic. Algorithms developed to predict the effect of sequence changes on RNA splicing suggest that this variant may disrupt the consensus splice site, but this prediction has not been confirmed by published transcriptional studies. This variant has not been reported in the literature in individuals with NEB-related conditions. ClinVar contains an entry for this variant (Variation ID: 554275). This variant is not present in population databases (ExAC no frequency). This sequence change affects a donor splice site in intron 135 of the NEB gene. It is expected to disrupt RNA splicing and likely results in an absent or disrupted protein product.

Counsyl
Classification: Likely pathogenic for Nemaline myopathy 2. Last evaluated: 2017-10-11. Review status: no assertion criteria provided. Collection method: clinical testing. Allele origin: unknown. Not counted in ClinVar's aggregate classification.

Literature cited by the submitters: PubMed 16199547 (cited by Labcorp Genetics (formerly Invitae), Labcorp); PubMed 25205138 (cited by Labcorp Genetics (formerly Invitae), Labcorp).